The following is an entry in ClinVar:

ClinVar aggregate classification (germline): Uncertain significance (1 of 4 stars; one submission).

Allele frequency attached by ClinVar (database versions not stated): TOPMed 0.00001.
gnomAD v4.1: 1 of 1,612,578 alleles (0.000062%); highest among the groups gnomAD compares: Non-Finnish European, 0.000085%; no homozygotes.

Submission:

Labcorp Genetics (formerly Invitae), Labcorp
Classification: Uncertain significance. Last evaluated: 2023-04-17. Review status: criteria provided, single submitter. Criteria: Invitae Variant Classification Sherloc (09022015). Collection method: clinical testing. Allele origin: germline.
Comment: In summary, the available evidence is currently insufficient to determine the role of this variant in disease. Therefore, it has been classified as a Variant of Uncertain Significance. An algorithm developed to predict the effect of missense changes on protein structure and function (PolyPhen-2) suggests that this variant is likely to be tolerated. This variant has not been reported in the literature in individuals affected with ARHGEF1-related conditions. This variant is present in population databases (no rsID available, gnomAD 0.007%). This sequence change replaces proline, which is neutral and non-polar, with threonine, which is neutral and polar, at codon 337 of the ARHGEF1 protein (p.Pro337Thr).

NM_004706.4(ARHGEF1):c.964C>A (p.Pro322Thr)

Gene: ARHGEF1 (Rho guanine nucleotide exchange factor 1; plus strand). Cytogenetic location: 19q13.2.
Variant type: single nucleotide variant.
Coding change: c.964C>A on transcript NM_004706.4 (MANE Select); coding-DNA position 964, C replaced by A.
Protein change: p.Pro322Thr; replaces proline 322 with threonine.
Molecular consequence: missense variant. On other transcripts: non-coding transcript variant (2).
Genome position (GRCh38, 1-based): chr19:41,895,435, C>A. VCF-style: chr19-41895435-C-A. GRCh37 (hg19) VCF-style: chr19-42399508-C-A.
Other names: c.964C>A, p.Pro322Thr (NM_001396000.1, NM_001396003.1, NM_001396006.1); c.865C>A, p.Pro289Thr (NM_001396002.1, NM_001396004.1, NM_198977.2); c.1009C>A, p.Pro337Thr (NM_199002.2); short protein forms P322T, P337T, P289T.
Identifiers: ClinVar variation 2793743 (VCV002793743.3), dbSNP rs1222430448, ClinGen allele CA406054808.